The following is an entry in ClinVar:

NM_001365276.2(TNXB):c.4118C>T (p.Pro1373Leu)

Gene: TNXB (tenascin XB; minus strand). Cytogenetic location: 6p21.33.
Variant type: single nucleotide variant.
Coding change: c.4118C>T on transcript NM_001365276.2 (MANE Select); coding-DNA position 4118, C replaced by T.
Protein change: p.Pro1373Leu; replaces proline 1373 with leucine.
Molecular consequence: missense variant.
Genome position (GRCh38, 1-based): chr6:32,079,290, G>A on the plus strand (C>T on the coding strand, the complement: TNXB is on the minus strand). VCF-style: chr6-32079290-G-A. GRCh37 (hg19) VCF-style: chr6-32047067-G-A.
Other names: c.4118C>T, p.Pro1373Leu (NM_019105.8); short protein forms P1373L.
Identifiers: ClinVar variation 1737967 (VCV001737967.4), dbSNP rs771602314, ClinGen allele CA3735022.
Genomic context (GRCh38, chr6:32,079,290, plus strand): 5'-GTCCAGAAGAGGCTCAGCGAATCAGGGGAGGATCCTGTCACTGTCAGCTCCCCCAGGAGC[G>A]GCTCCTCGGGGGACTCCGGGGCCTCCGTGCCCAGTTCTGTGGGGCTGGGGGTCTCGTCCA-3'
Protein context (NP_001352205.1, residues 1363-1383): GTEAPESPEE[Pro1373Leu]LLGELTVTGS

ClinVar aggregate classification (germline): Uncertain significance. Review status: criteria provided, multiple submitters, no conflicts (2 of 4 stars). 2 submissions from 2 submitters: Uncertain significance (2). Last evaluated 2025-11-15.

Conditions:
Cardiovascular phenotype. Identifiers: MedGen CN230736.

Allele frequency attached by ClinVar (database versions not stated): ExAC 0.00001; TOPMed 0.00002; gnomAD exomes 0.00001; gnomAD 0.00003.
gnomAD v4.1: 25 of 1,612,942 alleles (0.0015%); highest among the groups gnomAD compares: Middle Eastern, 0.016%; no homozygotes.

Submissions (2):

Ambry Genetics
Classification: Uncertain significance for Cardiovascular phenotype. Last evaluated: 2025-11-15. Review status: criteria provided, single submitter. Criteria: Ambry Variant Classification Scheme 2023. Collection method: clinical testing. Allele origin: germline.
Comment: The p.P1373L variant (also known as c.4118C>T), located in coding exon 10 of the TNXB gene, results from a C to T substitution at nucleotide position 4118. The proline at codon 1373 is replaced by leucine, an amino acid with similar properties. This amino acid position is conserved. In addition, this alteration is predicted to be tolerated by in silico analysis. Since supporting evidence is limited at this time, the clinical significance of this alteration remains unclear.

GeneDx
Classification: Uncertain significance. Last evaluated: 2022-12-02. Review status: criteria provided, single submitter. Criteria: GeneDx Variant Classification Process June 2021. Collection method: clinical testing. Allele origin: germline. Affected: yes.
Comment: Has not been previously published as pathogenic or benign to our knowledge; Not observed at significant frequency in large population cohorts (gnomAD); In silico analysis supports that this missense variant has a deleterious effect on protein structure/function